The following is an entry in ClinVar:

NM_000188.3(HK1):c.115A>G (p.Ile39Val)

Gene: HK1 (hexokinase 1; plus strand). Cytogenetic location: 10q22.1.
Variant type: single nucleotide variant.
Coding change: c.115A>G on transcript NM_000188.3 (MANE Select); coding-DNA position 115, A replaced by G.
Protein change: p.Ile39Val; replaces isoleucine 39 with valine.
Molecular consequence: missense variant. On other transcripts: 5 prime UTR variant (5), non-coding transcript variant (2).
Genome position (GRCh38, 1-based): chr10:69,343,878, A>G. VCF-style: chr10-69343878-A-G. GRCh37 (hg19) VCF-style: chr10-71103634-A-G.
Other names: c.127A>G, p.Ile43Val (NM_001322364.2, NM_001358263.1, NM_033497.3 and 1 more transcripts); c.220A>G, p.Ile74Val (NM_001322365.2); c.31A>G, p.Ile11Val (NM_001322366.1, NM_001441143.1); c.115A>G, p.Ile39Val (NM_001322367.1, NM_001441139.1, NM_001441141.1 and 5 more transcripts); c.106A>G, p.Ile36Val (NM_001441140.1); c.73A>G, p.Ile25Val (NM_001441142.1); c.-103A>G (NM_001441147.1, NM_001441149.1); c.-290A>G (NM_001441151.1); and 4 more; short protein forms I11V, I25V, I27V, I36V, I38V, I39V, I43V, I74V.
Identifiers: ClinVar variation 4875094 (VCV004875094.2).

ClinVar aggregate classification (germline): Uncertain significance (1 of 4 stars; one submission).

Submission:

CeGaT Center for Human Genetics Tuebingen
Classification: Uncertain significance. Last evaluated: 2026-06-01. Review status: criteria provided, single submitter. Criteria: CeGaT Center For Human Genetics Tuebingen Variant Classification Criteria Version 2. Collection method: clinical testing. Allele origin: germline. Affected: yes. Observed: 1 variant allele.
Comment: HK1: PM2